The following is an entry in ClinVar:

ClinVar aggregate classification (germline): Likely pathogenic. Review status: reviewed by expert panel (3 of 4 stars). 2 submissions from 2 submitters: Likely pathogenic (1). 1 of the submissions does not count toward it. Last evaluated 2024-12-03.

Conditions:
MELAS syndrome (MELAS). Also called: Juvenile myopathy, encephalopathy, lactic acidosis, stroke. Identifiers: Orphanet 550, MedGen C0162671, MONDO:0010789, OMIM 540000.
Mitochondrial disease. Also called: Mitochondrial disorder; Mitochondrial disorders. Identifiers: Orphanet 68380, MedGen C0751651, MeSH D028361, MONDO:0044970.

Submissions (2):

ClinGen Mitochondrial Disease Nuclear and Mitochondrial  Variant Curation Expert Panel, ClinGen
Classification: Likely pathogenic for Mitochondrial disease. Last evaluated: 2024-12-03. Review status: reviewed by expert panel. Criteria: clingen mito disease acmg specifications v1-1. Collection method: curation. Allele origin: germline. Inheritance: Mitochondrial inheritance.
Comment: The m.13046T>C (p.Met237Thr) variant in MT-ND5 has been reported in three individuals with primary mitochondrial disease (PMIDs: 21850008, 26894521, 34969639; PS4_supporting). Clinical features in affected individuals included Leigh syndrome, mitochondrial encephalomyopathy with lactic acidosis and stroke-like episodes (MELAS), seizures, migraines, optic atrophy, sensorineural hearing loss, and lactic acidosis. The variant was present at heteroplasmy levels between 22-27% in blood, 50-70% in muscle, 52-71% in urine, and 40-83% in fibroblasts. The variant was not detected in each of the three asymptomatic mothers (PMIDs: 21850008, 26894521, 34969639; PM6_strong). This variant is absent in the GenBank dataset, Helix dataset, and gnomAD v3.1.2 (PM2_supporting). The computational predictor APOGEE1 gives a consensus rating of pathogenic with a score of 0.72 (Min=0, Max=1, PP3). There are no single fiber studies or other functional assays reported for this variant. In summary, this variant meets criteria to be classified as likely pathogenic for primary mitochondrial disease inherited in a mitochondrial manner. This classification was approved by the NICHD/NINDS U24 ClinGen Mitochondrial Disease Variant Curation Expert Panel on December 3, 2024. Mitochondrial DNA-specific ACMG/AMP criteria applied (PMID: 32906214): PS4_supporting, PM6_strong, PM2_supporting, PP3.

Wong Mito Lab, Molecular and Human Genetics, Baylor College of Medicine
Classification: Likely pathogenic for MELAS syndrome. Last evaluated: 2019-10-17. Review status: criteria provided, single submitter. Criteria: Modified ACMG Guidelines (Unpublished). Collection method: clinical testing. Allele origin: germline. Not counted in ClinVar's aggregate classification.
Comment: The NC_012920.1:m.13046T>C (YP_003024036.1:p.Met237Thr) variant in MTND5 gene is interpretated to be a Likely Pathogenic variant based on the modified ACMG guidelines (unpublished). This variant meets the following evidence codes: PM8, PM9, PP4, PP6

Literature cited by the submitters: PubMed 26894521 (cited by Wong Mito Lab, Molecular and Human Genetics, Baylor College of Medicine).

NC_012920.1(MT-ND5):m.13046T>C

Gene: MT-ND5 (mitochondrially encoded NADH dehydrogenase 5; plus strand).
Variant type: single nucleotide variant.
Genome position: chrM-13046-T-C.
Identifiers: ClinVar variation 693512 (VCV000693512.2), dbSNP rs1603224015, ClinGen allele CA414816070.
Genomic context (GRCh38, chrMT:13,046, plus strand): 5'-TCCTAGCAGCAGCAGGCAAATCAGCCCAATTAGGTCTCCACCCCTGACTCCCCTCAGCCA[T>C]AGAAGGCCCCACCCCAGTCTCAGCCCTACTCCACTCAAGCACTATAGTTGTAGCAGGAAT-3'